The following is an entry in ClinVar:

ClinVar aggregate classification (germline): Uncertain significance. Review status: criteria provided, multiple submitters, no conflicts (2 of 4 stars). 3 submissions from 3 submitters: Uncertain significance (3). Last evaluated 2025-03-01.

Conditions:
Inborn genetic diseases. Identifiers: MedGen C0950123, MeSH D030342.

Allele frequency attached by ClinVar (database versions not stated): gnomAD exomes below 0.00001 and 0.00001.
gnomAD v4.1: 20 of 1,614,256 alleles (0.0012%); highest among the groups gnomAD compares: Non-Finnish European, 0.0017%; no homozygotes.

Submissions (3):

CeGaT Center for Human Genetics Tuebingen
Classification: Uncertain significance. Last evaluated: 2025-03-01. Review status: criteria provided, single submitter. Criteria: CeGaT Center For Human Genetics Tuebingen Variant Classification Criteria Version 2. Collection method: clinical testing. Allele origin: germline. Affected: yes. Observed: 1 variant allele.

Ambry Genetics
Classification: Uncertain significance for Inborn genetic diseases. Last evaluated: 2024-11-11. Review status: criteria provided, single submitter. Criteria: Ambry Variant Classification Scheme 2023. Collection method: clinical testing. Allele origin: germline.

GeneDx
Classification: Uncertain significance. Last evaluated: 2020-01-17. Review status: criteria provided, single submitter. Criteria: GeneDx Variant Classification (06012015). Collection method: clinical testing. Allele origin: germline. Affected: yes.
Comment: Not observed at a significant frequency in large population cohorts (Lek et al., 2016) In silico analysis, which includes protein predictors and evolutionary conservation, supports that this variant does not alter protein structure/function Has not been previously published as pathogenic or benign to our knowledge

NM_001845.6(COL4A1):c.3142G>A (p.Glu1048Lys)

Gene: COL4A1 (collagen type IV alpha 1 chain; minus strand). Cytogenetic location: 13q34.
Variant type: single nucleotide variant.
Coding change: c.3142G>A on transcript NM_001845.6 (MANE Select); coding-DNA position 3142, G replaced by A.
Protein change: p.Glu1048Lys; replaces glutamic acid 1048 with lysine.
Molecular consequence: missense variant.
Genome position (GRCh38, 1-based): chr13:110,175,274, C>T on the plus strand (G>A on the coding strand, the complement: COL4A1 is on the minus strand). VCF-style: chr13-110175274-C-T. GRCh37 (hg19) VCF-style: chr13-110827621-C-T.
Other names: short protein forms E1048K.
Identifiers: ClinVar variation 1172687 (VCV001172687.9), dbSNP rs1251048055, ClinGen allele CA388665521.